The following is an entry in ClinVar:

NM_000293.3(PHKB):c.3271C>G (p.Leu1091Val)

Gene: PHKB (phosphorylase kinase regulatory subunit beta; plus strand). Cytogenetic location: 16q12.1.
Variant type: single nucleotide variant.
Coding change: c.3271C>G on transcript NM_000293.3 (MANE Select); coding-DNA position 3271, C replaced by G.
Protein change: p.Leu1091Val; replaces leucine 1091 with valine.
Molecular consequence: missense variant.
Genome position (GRCh38, 1-based): chr16:47,699,355, C>G. VCF-style: chr16-47699355-C-G. GRCh37 (hg19) VCF-style: chr16-47733266-C-G.
Other names: c.3250C>G, p.Leu1084Val (NM_001031835.3); c.3271C>G, p.Leu1091Val (NM_001363837.1); short protein forms L1084V, L1091V.
Identifiers: ClinVar variation 1714467 (VCV001714467.5), dbSNP rs2506741942, ClinGen allele CA396102041.

ClinVar aggregate classification (germline): Uncertain significance (1 of 4 stars; one submission).

Conditions:
Glycogen storage disease IXb (GSD9B). Also called: GLYCOGENOSIS OF LIVER AND MUSCLE, AUTOSOMAL RECESSIVE; GSD IXb; PHOSPHORYLASE KINASE DEFICIENCY OF LIVER AND MUSCLE, AUTOSOMAL RECESSIVE. Identifiers: Orphanet 79240, MedGen C0543514, MONDO:0009868, OMIM 261750.

Submission:

Labcorp Genetics (formerly Invitae), Labcorp
Classification: Uncertain significance for Glycogen storage disease IXb. Last evaluated: 2022-07-30. Review status: criteria provided, single submitter. Criteria: Invitae Variant Classification Sherloc (09022015). Collection method: clinical testing. Allele origin: germline.
Comment: In summary, the available evidence is currently insufficient to determine the role of this variant in disease. Therefore, it has been classified as a Variant of Uncertain Significance. Algorithms developed to predict the effect of missense changes on protein structure and function (SIFT, PolyPhen-2, Align-GVGD) all suggest that this variant is likely to be tolerated. This variant has not been reported in the literature in individuals affected with PHKB-related conditions. This variant is not present in population databases (gnomAD no frequency). This sequence change replaces leucine, which is neutral and non-polar, with valine, which is neutral and non-polar, at codon 1091 of the PHKB protein (p.Leu1091Val).